The following is an entry in ClinVar:

NM_000388.4(CASR):c.1838G>A (p.Gly613Glu)

Gene: CASR (calcium sensing receptor; plus strand). Cytogenetic location: 3q21.1.
Variant type: single nucleotide variant.
Coding change: c.1838G>A on transcript NM_000388.4 (MANE Select); coding-DNA position 1838, G replaced by A.
Protein change: p.Gly613Glu; replaces glycine 613 with glutamic acid.
Molecular consequence: missense variant.
Genome position (GRCh38, 1-based): chr3:122,283,792, G>A. VCF-style: chr3-122283792-G-A. GRCh37 (hg19) VCF-style: chr3-122002639-G-A.
Other names: c.1868G>A, p.Gly623Glu (NM_001178065.2); short protein forms G623E, G613E.
Identifiers: ClinVar variation 2038876 (VCV002038876.6), dbSNP rs2473276491, ClinGen allele CA354157559.
Genomic context (GRCh38, chr3:122,283,792, plus strand): 5'-AGAACCACACCTCCTGCATTGCCAAGGAGATCGAGTTTCTGTCGTGGACGGAGCCCTTTG[G>A]GATCGCACTCACCCTCTTTGCCGTGCTGGGCATTTTCCTGACAGCCTTTGTGCTGGGTGT-3'
Protein context (NP_000379.3, residues 603-623): IEFLSWTEPF[Gly613Glu]IALTLFAVLG

ClinVar aggregate classification (germline): Likely pathogenic. Review status: criteria provided, multiple submitters, no conflicts (2 of 4 stars). 3 submissions from 3 submitters: Likely pathogenic (3). Last evaluated 2025-07-23.

Conditions:
Familial hypocalciuric hypercalcemia (FHH). Also called: Familial benign hypercalcemia. Identifiers: Orphanet 405, MedGen C1809471, MONDO:0018458.
Autosomal dominant hypocalcemia 1 (HYPOC1). Also called: HYPOCALCEMIA, FAMILIAL. Identifiers: MedGen C3715128, MONDO:0011013, OMIM 601198.
Neonatal severe primary hyperparathyroidism. Identifiers: Orphanet 417, MedGen C1832615, MONDO:0009397, OMIM 239200.
Familial hypocalciuric hypercalcemia 1. Also called: Hypercalcemia, familial benign type 1. Identifiers: Orphanet 405, Orphanet 93372, MedGen C0342637, MONDO:0007791, OMIM 145980.
Epilepsy, idiopathic generalized, susceptibility to, 8. Identifiers: MedGen C2752062, MONDO:0013032, OMIM 612899.

Allele frequency attached by ClinVar (database versions not stated): gnomAD exomes below 0.00001.
gnomAD v4.1: 1 of 1,614,102 alleles (0.000062%); highest among the groups gnomAD compares: Non-Finnish European, 0.000085%; no homozygotes.

Submissions (3):

Women's Health and Genetics/Laboratory Corporation of America, LabCorp
Classification: Likely pathogenic for Neonatal severe primary hyperparathyroidism. Last evaluated: 2025-07-23. Review status: criteria provided, single submitter. Criteria: LabCorp Variant Classification Summary - May 2015. Collection method: clinical testing. Allele origin: germline.
Comment: Variant summary: CASR c.1838G>A (p.Gly613Glu) results in a non-conservative amino acid change in the encoded protein sequence. Algorithms developed to predict the effect of missense changes on protein structure and function all suggest that this variant is likely to be disruptive. The variant was absent in 251478 control chromosomes (gnomAD). c.1838G>A has been observed in a homozygous individual affected with Neonatal Severe Hyperparathyroidism as well as heterozygous members of the same family who had Familial Hypocalciuric Hypercalcemia (Gulcan-Kersin_2020). These data indicate that the variant is likely to be associated with disease. To our knowledge, no experimental evidence demonstrating an impact on protein function has been reported. The following publication has been ascertained in the context of this evaluation (PMID: 33147586). ClinVar contains an entry for this variant (Variation ID: 2038876). Based on the evidence outlined above, the variant was classified as likely pathogenic for Familial Hypocalciuric Hypercalcemia and Neonatal Severe Hyperparathyroidism.

Labcorp Genetics (formerly Invitae), Labcorp
Classification: Likely pathogenic for Familial hypocalciuric hypercalcemia; Autosomal dominant hypocalcemia 1. Last evaluated: 2025-06-09. Review status: criteria provided, single submitter. Criteria: Invitae Variant Classification Sherloc (09022015). Collection method: clinical testing. Allele origin: germline.
Comment: This sequence change replaces glycine, which is neutral and non-polar, with glutamic acid, which is acidic and polar, at codon 613 of the CASR protein (p.Gly613Glu). This variant is not present in population databases (gnomAD no frequency). This missense change has been observed in individuals with CASR-related conditions (PMID: 33147586; internal data). It has also been observed to segregate with disease in related individuals. ClinVar contains an entry for this variant (Variation ID: 2038876). An algorithm developed to predict the effect of missense changes on protein structure and function (PolyPhen-2) suggests that this variant is likely to be disruptive. This variant disrupts the p.Gly613 amino acid residue in CASR. Other variant(s) that disrupt this residue have been determined to be pathogenic (PMID: 22142470). This suggests that this residue is clinically significant, and that variants that disrupt this residue are likely to be disease-causing. In summary, the currently available evidence indicates that the variant is pathogenic, but additional data are needed to prove that conclusively. Therefore, this variant has been classified as Likely Pathogenic.

Fulgent Genetics
Classification: Likely pathogenic for Familial hypocalciuric hypercalcemia 1; Neonatal severe primary hyperparathyroidism; Autosomal dominant hypocalcemia 1; Epilepsy, idiopathic generalized, susceptibility to, 8. Last evaluated: 2024-06-05. Review status: criteria provided, single submitter. Criteria: ACMG Guidelines, 2015. Collection method: clinical testing. Allele origin: germline.

Literature cited by the submitters: PubMed 33147586 (cited by Women's Health and Genetics/Laboratory Corporation of America, LabCorp and Labcorp Genetics (formerly Invitae), Labcorp); PubMed 22142470 (cited by Labcorp Genetics (formerly Invitae), Labcorp).